The following is an entry in ClinVar:

NM_001145358.2(SIN3A):c.3559T>C (p.Tyr1187His)

Gene: SIN3A (SIN3 transcription regulator family member A; minus strand). Cytogenetic location: 15q24.2.
Variant type: single nucleotide variant.
Coding change: c.3559T>C on transcript NM_001145358.2 (MANE Select); coding-DNA position 3559, T replaced by C.
Protein change: p.Tyr1187His; replaces tyrosine 1187 with histidine.
Molecular consequence: missense variant.
Genome position (GRCh38, 1-based): chr15:75,375,697, A>G on the plus strand (T>C on the coding strand, the complement: SIN3A is on the minus strand). VCF-style: chr15-75375697-A-G. GRCh37 (hg19) VCF-style: chr15-75668038-A-G.
Other names: c.3559T>C, p.Tyr1187His (NM_001145357.2, NM_015477.3); short protein forms Y1187H.
Identifiers: ClinVar variation 1997018 (VCV001997018.4), dbSNP rs2542997037, ClinGen allele CA393485299.

ClinVar aggregate classification (germline): Uncertain significance (1 of 4 stars; one submission).

Submission:

Labcorp Genetics (formerly Invitae), Labcorp
Classification: Uncertain significance. Last evaluated: 2022-05-31. Review status: criteria provided, single submitter. Criteria: Invitae Variant Classification Sherloc (09022015). Collection method: clinical testing. Allele origin: germline.
Comment: This variant has not been reported in the literature in individuals affected with SIN3A-related conditions. This sequence change replaces tyrosine, which is neutral and polar, with histidine, which is basic and polar, at codon 1187 of the SIN3A protein (p.Tyr1187His). This variant is not present in population databases (gnomAD no frequency). Algorithms developed to predict the effect of missense changes on protein structure and function are either unavailable or do not agree on the potential impact of this missense change (SIFT: "Tolerated"; PolyPhen-2: "Probably Damaging"; Align-GVGD: "Class C0"). In summary, the available evidence is currently insufficient to determine the role of this variant in disease. Therefore, it has been classified as a Variant of Uncertain Significance.